The following is an entry in ClinVar:

ClinVar aggregate classification (germline): no classifications from unflagged records (0 of 4 stars; one submission).

Submission:

Illumina Laboratory Services, Illumina
Classification: Uncertain significance. Last evaluated: 2021-01-18. Review status: flagged submission. Criteria: ICSL CNVClassificationCriteria Aug2020. Collection method: clinical testing. Allele origin: unknown.
Comment: This CNV is a 196 kb deletion of 16p13.3, on chromosome 16, (seq[GRCh37]del(16)(p13.3); chr16:g.2635096_2830625del) which has been identified in a de novo state. This CNV constitutes a loss encompassing the following protein coding genes: ELOB, KCTD5, PDPK1, PRSS21, PRSS27, PRSS33, PRSS41, SRRM2, ZG16B, and partially overlaps the 16p13.3 microdeletion syndrome region. Mucha et al. (2019) reported eight individuals with overlapping deletions ranging from 205 kb to 504 kb in 16p13.3, and describe a minimal overlapping region encompassing three genes, TBC1D24, ATP6V0C, and PDPK1. At least six microdeletions were confirmed de novo. Common features of the syndrome included developmental delay, intellectual disability, and epilepsy. Additional features in these individuals included microcephaly, mildly dysmorphic features, hearing loss, strabismus, feeding difficulties, failure to thrive, short stature, behavioral problems including autism spectrum disorder, ADHD, and mania/bipolar episodes, and rarely an abnormal brain MRI. Additionally, in one individual with severe intellectual disability, epileptic seizures, skeletal abnormalities, and dysmorphic features, a de novo microdeletion at 16p13.3 involving TBC1D24 and ATP6V0C was reported (Kuroda et al. 2019). The CNV found in the proband overlaps at least six of the deletions reported in Mucha et al. (2019), but does not overlap the region of minimal overlap. This CNV has not been reported in controls. Based on the limited evidence currently available, this CNV is classified as a variant of uncertain significance.
ClinVar note: Notes: This submission was flagged because its interpretation of this variant conflicts with the ClinGen Gene Dosage Map curation for the gene SRRM2.
ClinVar note: Reason: Conflict with ClinGen Gene Dosage Map

Literature cited by the submitters: PubMed 30245510; PubMed 31231897.

GRCh37/hg19 16p13.3(chr16:2635096-2830625)x1

Genes: ELOB (elongin B; minus strand), KCTD5 (potassium channel tetramerization domain containing 5; plus strand), PDPK1 (3-phosphoinositide dependent protein kinase 1; plus strand), PRSS27 (serine protease 27; minus strand), SRRM2 (serine/arginine repetitive matrix 2; plus strand). Cytogenetic location: 16p13.3.
Variant type: copy number loss.
Change: copy number 1 (one copy instead of two) of chr16:2,635,096-2,830,625 (195.5 kb, GRCh37 coordinates, 1-based), cytogenetic band 16p13.3.
Identifiers: ClinVar variation 1328466 (VCV001328466.4).